The following is an entry in ClinVar:

NM_002474.3(MYH11):c.33G>C (p.Glu11Asp)

Gene: MYH11 (myosin heavy chain 11; minus strand). Cytogenetic location: 16p13.11.
Variant type: single nucleotide variant.
Coding change: c.33G>C on transcript NM_002474.3 (MANE Select); coding-DNA position 33, G replaced by C.
Protein change: p.Glu11Asp; replaces glutamic acid 11 with aspartic acid.
Molecular consequence: missense variant.
Genome position (GRCh38, 1-based): chr16:15,838,220, C>G on the plus strand (G>C on the coding strand, the complement: MYH11 is on the minus strand). VCF-style: chr16-15838220-C-G. GRCh37 (hg19) VCF-style: chr16-15932077-C-G.
Other names: p.E11D:GAG>GAC; c.33G>C, p.Glu11Asp (NM_001040113.2, NM_001040114.2, NM_022844.3); short protein forms E11D.
Identifiers: ClinVar variation 201093 (VCV000201093.6), dbSNP rs148562366, ClinGen allele CA306622.

ClinVar aggregate classification (germline): Uncertain significance. Review status: criteria provided, multiple submitters, no conflicts (2 of 4 stars). 2 submissions from 2 submitters: Uncertain significance (2). Last evaluated 2023-12-19.

Conditions:
Aortic aneurysm, familial thoracic 4 (AAT4). Also called: AORTIC ANEURYSM/AORTIC DISSECTION AND PATENT DUCTUS ARTERIOSUS. Identifiers: MedGen C1851504, MONDO:0007568, OMIM 132900.

Allele frequency attached by ClinVar (database versions not stated): ESP Exome Variant Server 0.00008.

Submissions (2):

Labcorp Genetics (formerly Invitae), Labcorp
Classification: Uncertain significance for Aortic aneurysm, familial thoracic 4. Last evaluated: 2023-12-19. Review status: criteria provided, single submitter. Criteria: Invitae Variant Classification Sherloc (09022015). Collection method: clinical testing. Allele origin: germline.
Comment: This sequence change replaces glutamic acid, which is acidic and polar, with aspartic acid, which is acidic and polar, at codon 11 of the MYH11 protein (p.Glu11Asp). This variant is present in population databases (rs148562366, gnomAD 0.0009%). This missense change has been observed in individual(s) with MYH11-related conditions (PMID: 30056620; Invitae). ClinVar contains an entry for this variant (Variation ID: 201093). Advanced modeling of protein sequence and biophysical properties (such as structural, functional, and spatial information, amino acid conservation, physicochemical variation, residue mobility, and thermodynamic stability) performed at Invitae indicates that this missense variant is not expected to disrupt MYH11 protein function with a negative predictive value of 95%. In summary, the available evidence is currently insufficient to determine the role of this variant in disease. Therefore, it has been classified as a Variant of Uncertain Significance.

GeneDx
Classification: Uncertain significance. Last evaluated: 2013-12-29. Review status: criteria provided, single submitter. Criteria: GeneDx Variant Classification (06012015). Collection method: clinical testing. Allele origin: germline. Affected: yes.
Comment: p.Glu11Asp (GAG>GAC): c.33 G>C in exon 2 of the MYH11 gene (NM_002474.2). The E11D variant in the MYH11 gene has not been reported as a disease-causing mutation or as a benign polymorphism to our knowledge. Although the E11D variant is a conservative amino acid substitution as these residues share similar properties, and are least likely to impact secondary structure, the E11 residue is conserved in mammals. However, no missense mutations in nearby residues have been reported in association with TAAD, indicating this region of the protein may tolerate change. In silico analysis was inconsistent with regard to the effect this variant may have on the protein structure/function. Nevertheless, the E11D variant was not observed with any significant frequency in approximately 6,500 individuals of European and African American ancestry in the NHLBI Exome Sequencing Project. With the clinical and molecular information available at this time, we cannot definitively determine if E11D is a disease-causing mutation or a rare benign variant. The variant is found in TAAD panel(s).

Literature cited by the submitters: PubMed 30056620 (cited by Labcorp Genetics (formerly Invitae), Labcorp).